The following is an entry in ClinVar:

ClinVar aggregate classification (germline): Uncertain significance (1 of 4 stars; one submission).

Submission:

Labcorp Genetics (formerly Invitae), Labcorp
Classification: Uncertain significance. Last evaluated: 2022-01-26. Review status: criteria provided, single submitter. Criteria: Invitae Variant Classification Sherloc (09022015). Collection method: clinical testing. Allele origin: germline.
Comment: This sequence change replaces isoleucine, which is neutral and non-polar, with phenylalanine, which is neutral and non-polar, at codon 214 of the MCM5 protein (p.Ile214Phe). This variant is not present in population databases (gnomAD no frequency). This variant has not been reported in the literature in individuals affected with MCM5-related conditions. Algorithms developed to predict the effect of missense changes on protein structure and function are either unavailable or do not agree on the potential impact of this missense change (SIFT: "Deleterious"; PolyPhen-2: "Probably Damaging"; Align-GVGD: "Class C0"). In summary, the available evidence is currently insufficient to determine the role of this variant in disease. Therefore, it has been classified as a Variant of Uncertain Significance.

NM_006739.4(MCM5):c.640A>T (p.Ile214Phe)

Gene: MCM5 (minichromosome maintenance complex component 5; plus strand). Cytogenetic location: 22q12.3.
Variant type: single nucleotide variant.
Coding change: c.640A>T on transcript NM_006739.4 (MANE Select); coding-DNA position 640, A replaced by T.
Protein change: p.Ile214Phe; replaces isoleucine 214 with phenylalanine.
Molecular consequence: missense variant.
Genome position (GRCh38, 1-based): chr22:35,408,451, A>T. VCF-style: chr22-35408451-A-T. GRCh37 (hg19) VCF-style: chr22-35804444-A-T.
Other names: short protein forms I214F.
Identifiers: ClinVar variation 1918999 (VCV001918999.5), dbSNP rs1400292973, ClinGen allele CA411362805.